The following is an entry in ClinVar:

NM_004281.4(BAG3):c.1068dup (p.Pro357fs)

Gene: BAG3 (BAG cochaperone 3; plus strand). Cytogenetic location: 10q26.11.
Variant type: Duplication.
Coding change: c.1068dup on transcript NM_004281.4 (MANE Select); coding-DNA position 1068, one base duplicated (A; older notation c.1068dupA).
Protein change: p.Pro357fs; shifts the reading frame from proline 357.
Molecular consequence: frameshift variant.
Genome position (GRCh38, 1-based): chr10:119,676,622, A duplicated. VCF-style (leftmost placement, unchanged base first): chr10-119676621-C-CA. GRCh37 (hg19) VCF-style: chr10-121436133-C-CA.
Other names: short protein forms P357fs.
Identifiers: ClinVar variation 4786936 (VCV004786936.1).

ClinVar aggregate classification (germline): Pathogenic (1 of 4 stars; one submission).

Conditions:
Dilated cardiomyopathy 1HH (CMD1HH). Identifiers: Orphanet 154, MedGen C3151293, MONDO:0013479, OMIM 613881.
Myofibrillar myopathy 6. Identifiers: Orphanet 199340, MedGen C2751831, MONDO:0013061, OMIM 612954.

Submission:

Labcorp Genetics (formerly Invitae), Labcorp
Classification: Pathogenic for Dilated cardiomyopathy 1HH; Myofibrillar myopathy 6. Last evaluated: 2026-01-09. Review status: criteria provided, single submitter. Criteria: Invitae Variant Classification Sherloc (09022015). Collection method: clinical testing. Allele origin: germline.
Comment: This sequence change creates a premature translational stop signal (p.Pro357Thrfs*4) in the BAG3 gene. While this is not anticipated to result in nonsense mediated decay, it is expected to disrupt the last 219 amino acid(s) of the BAG3 protein. This variant is not present in population databases (gnomAD no frequency). This variant has not been reported in the literature in individuals affected with BAG3-related conditions. This variant disrupts a region of the BAG3 protein in which other variant(s) (p.Arg473*) have been determined to be pathogenic (PMID: 28436997, 32160020). This suggests that this is a clinically significant region of the protein, and that variants that disrupt it are likely to be disease-causing. For these reasons, this variant has been classified as Pathogenic.

Literature cited by the submitters: PubMed 28436997; PubMed 32160020.